The following is an entry in ClinVar:

ClinVar aggregate classification (germline): Likely benign. Review status: criteria provided, single submitter (1 of 4 stars). 2 submissions from 2 submitters: Likely benign (1). 1 of the submissions does not count toward it. Last evaluated 2025-04-10.

Conditions:
RTEL1-related disorder. Also called: RTEL1-related disorders; RTEL1-related condition.
Inborn genetic diseases. Identifiers: MedGen C0950123, MeSH D030342.

Allele frequency attached by ClinVar (database versions not stated): TOPMed below 0.00001; gnomAD exomes 0.00002.
gnomAD v4.1: 25 of 1,612,670 alleles (0.0016%); highest among the groups gnomAD compares: Non-Finnish European, 0.0021%; no homozygotes.

Submissions (2):

Ambry Genetics
Classification: Likely benign for Inborn genetic diseases. Last evaluated: 2025-04-10. Review status: criteria provided, single submitter. Criteria: Ambry Variant Classification Scheme 2023. Collection method: clinical testing. Allele origin: germline.

PreventionGenetics, part of Exact Sciences
Classification: Likely benign for RTEL1-related condition. Last evaluated: 2022-01-09. Review status: no assertion criteria provided. Collection method: clinical testing. Allele origin: germline. Not counted in ClinVar's aggregate classification.
Comment: This variant is classified as likely benign based on ACMG/AMP sequence variant interpretation guidelines (Richards et al. 2015 PMID: 25741868, with internal and published modifications).

NM_001283009.2(RTEL1):c.2709G>A (p.Val903=)

Genes: RTEL1 (regulator of telomere elongation helicase 1; plus strand), RTEL1-TNFRSF6B (RTEL1-TNFRSF6B readthrough (NMD candidate); plus strand). Cytogenetic location: 20q13.33.
Variant type: single nucleotide variant.
Coding change: c.2709G>A on transcript NM_001283009.2 (MANE Select); coding-DNA position 2709, G replaced by A.
Protein change: p.Val903=; no amino-acid change (valine 903 retained).
Molecular consequence: synonymous variant. On other transcripts: non-coding transcript variant (1).
Genome position (GRCh38, 1-based): chr20:63,692,861, G>A. VCF-style: chr20-63692861-G-A. GRCh37 (hg19) VCF-style: chr20-62324214-G-A.
Other names: c.2040G>A, p.Val680= (NM_001283010.1); c.2709G>A, p.Val903= (NM_016434.4); c.2781G>A, p.Val927= (NM_032957.5).
Identifiers: ClinVar variation 3061543 (VCV003061543.3), dbSNP rs2090786584, ClinGen allele CA511661232.